The following is an entry in ClinVar:

ClinVar aggregate classification (germline): Likely benign (1 of 4 stars; one submission).

Allele frequency attached by ClinVar (database versions not stated): ExAC 0.00017; 1000 Genomes Project 0.00020; 1000 Genomes Project 30x 0.00031; gnomAD 0.00031; ESP Exome Variant Server 0.00046.
gnomAD v4.1: 1,199 of 1,613,674 alleles (0.074%); highest among the groups gnomAD compares: Non-Finnish European, 0.096%; 1 homozygote.

Submission:

CeGaT Center for Human Genetics Tuebingen
Classification: Likely benign. Last evaluated: 2023-04-01. Review status: criteria provided, single submitter. Criteria: CeGaT Center For Human Genetics Tuebingen Variant Classification Criteria Version 2. Collection method: clinical testing. Allele origin: germline. Affected: yes. Observed: 1 variant allele.
Comment: UTRN: BP4, BP7

NM_007124.3(UTRN):c.10158C>T (p.Gly3386=)

Gene: UTRN (utrophin; plus strand). Cytogenetic location: 6q24.2.
Variant type: single nucleotide variant.
Coding change: c.10158C>T on transcript NM_007124.3 (MANE Select); coding-DNA position 10158, C replaced by T.
Protein change: p.Gly3386=; no amino-acid change (glycine 3386 retained).
Molecular consequence: synonymous variant.
Genome position (GRCh38, 1-based): chr6:144,839,265, C>T. VCF-style: chr6-144839265-C-T. GRCh37 (hg19) VCF-style: chr6-145160401-C-T.
Other names: c.2823C>T, p.Gly941= (NM_001375323.1).
Identifiers: ClinVar variation 2656966 (VCV002656966.24), dbSNP rs150292493, ClinGen allele CA4034848.